The following is an entry in ClinVar:

NM_002340.6(LSS):c.1865G>A (p.Arg622Gln)

Gene: LSS (lanosterol synthase; minus strand). Cytogenetic location: 21q22.3.
Variant type: single nucleotide variant.
Coding change: c.1865G>A on transcript NM_002340.6 (MANE Select); coding-DNA position 1865, G replaced by A.
Protein change: p.Arg622Gln; replaces arginine 622 with glutamine.
Molecular consequence: missense variant.
Genome position (GRCh38, 1-based): chr21:46,194,614, C>T on the plus strand (G>A on the coding strand, the complement: LSS is on the minus strand). VCF-style: chr21-46194614-C-T. GRCh37 (hg19) VCF-style: chr21-47614528-C-T.
Other names: c.1865G>A, p.Arg622Gln (NM_001001438.3); c.1832G>A, p.Arg611Gln (NM_001145436.2); c.1625G>A, p.Arg542Gln (NM_001145437.2); short protein forms R542Q, R622Q, R611Q.
Identifiers: ClinVar variation 783884 (VCV000783884.17), dbSNP rs61735802, ClinGen allele CA10074819.

ClinVar aggregate classification (germline): Benign. Review status: criteria provided, multiple submitters, no conflicts (2 of 4 stars). 4 submissions from 4 submitters: Benign (3). 1 of the submissions does not count toward it. Last evaluated 2026-01-27.

Conditions:
LSS-related disorder. Also called: LSS-related condition.

Allele frequency attached by ClinVar (database versions not stated): gnomAD exomes 0.00784; ExAC 0.00947; gnomAD 0.02774; 1000 Genomes Project 0.02915; 1000 Genomes Project 30x 0.03061; TOPMed 0.03107; ESP Exome Variant Server 0.03160.

Submissions (21):

Labcorp Genetics (formerly Invitae), Labcorp
Classification: Benign. Last evaluated: 2026-01-27. Review status: criteria provided, single submitter. Criteria: Invitae Variant Classification Sherloc (09022015). Collection method: clinical testing. Allele origin: germline.

GeneDx
Classification: Benign. Last evaluated: 2018-07-31. Review status: criteria provided, single submitter. Criteria: GeneDx Variant Classification Process June 2021. Collection method: clinical testing. Allele origin: germline. Affected: yes.

Breakthrough Genomics
Classification: Benign. Review status: criteria provided, single submitter. Criteria: ACMG Guidelines, 2015. Collection method: not provided. Allele origin: germline. Inheritance: Autosomal recessive inheritance. Affected: yes.

PreventionGenetics, part of Exact Sciences
Classification: Benign for LSS-related condition. Last evaluated: 2020-01-02. Review status: no assertion criteria provided. Collection method: clinical testing. Allele origin: germline. Not counted in ClinVar's aggregate classification.
Comment: This variant is classified as benign based on ACMG/AMP sequence variant interpretation guidelines (Richards et al. 2015 PMID: 25741868, with internal and published modifications).

Dr. Peter K. Rogan Lab, Western University
No classification provided (evidence only). Condition: Acute myeloid leukemia. Review status: no classification provided. Collection method: in vitro. Allele origin: not applicable. Functional consequence: retained intron. Not counted in ClinVar's aggregate classification.

Dr. Peter K. Rogan Lab, Western University
No classification provided (evidence only). Condition: Colon adenocarcinoma. Review status: no classification provided. Collection method: in vitro. Allele origin: not applicable. Functional consequence: retained intron. Not counted in ClinVar's aggregate classification.

Dr. Peter K. Rogan Lab, Western University
No classification provided (evidence only). Condition: Colorectal cancer. Review status: no classification provided. Collection method: in vitro. Allele origin: not applicable. Functional consequence: skipped exon. Not counted in ClinVar's aggregate classification.

Dr. Peter K. Rogan Lab, Western University
No classification provided (evidence only). Condition: Uterine corpus endometrial carcinoma. Review status: no classification provided. Collection method: in vitro. Allele origin: not applicable. Functional consequence: retained intron. Not counted in ClinVar's aggregate classification.

Dr. Peter K. Rogan Lab, Western University
No classification provided (evidence only). Condition: Uterine corpus endometrial carcinoma. Review status: no classification provided. Collection method: in vitro. Allele origin: not applicable. Functional consequence: skipped exon, retained intron. Not counted in ClinVar's aggregate classification.

Dr. Peter K. Rogan Lab, Western University
No classification provided (evidence only). Condition: Cervical cancer. Review status: no classification provided. Collection method: in vitro. Allele origin: not applicable. Functional consequence: retained intron. Not counted in ClinVar's aggregate classification.

Dr. Peter K. Rogan Lab, Western University
No classification provided (evidence only). Condition: Sarcoma. Review status: no classification provided. Collection method: in vitro. Allele origin: not applicable. Functional consequence: retained intron. Not counted in ClinVar's aggregate classification.

Dr. Peter K. Rogan Lab, Western University
No classification provided (evidence only). Condition: Hepatocellular carcinoma. Review status: no classification provided. Collection method: in vitro. Allele origin: not applicable. Functional consequence: skipped exon, retained intron. Not counted in ClinVar's aggregate classification.

Dr. Peter K. Rogan Lab, Western University
No classification provided (evidence only). Condition: Nonpapillary renal cell carcinoma. Review status: no classification provided. Collection method: in vitro. Allele origin: not applicable. Functional consequence: retained intron. Not counted in ClinVar's aggregate classification.

Dr. Peter K. Rogan Lab, Western University
No classification provided (evidence only). Condition: Nonpapillary renal cell carcinoma. Review status: no classification provided. Collection method: in vitro. Allele origin: not applicable. Functional consequence: retained intron. Not counted in ClinVar's aggregate classification.

Dr. Peter K. Rogan Lab, Western University
No classification provided (evidence only). Condition: Ovarian serous cystadenocarcinoma. Review status: no classification provided. Collection method: in vitro. Allele origin: not applicable. Functional consequence: retained intron. Not counted in ClinVar's aggregate classification.

Dr. Peter K. Rogan Lab, Western University
No classification provided (evidence only). Condition: Ovarian serous cystadenocarcinoma. Review status: no classification provided. Collection method: in vitro. Allele origin: not applicable. Functional consequence: retained intron. Not counted in ClinVar's aggregate classification.

Dr. Peter K. Rogan Lab, Western University
No classification provided (evidence only). Condition: Gastric cancer. Review status: no classification provided. Collection method: in vitro. Allele origin: not applicable. Functional consequence: retained intron. Not counted in ClinVar's aggregate classification.

Dr. Peter K. Rogan Lab, Western University
No classification provided (evidence only). Condition: Gastric cancer. Review status: no classification provided. Collection method: in vitro. Allele origin: not applicable. Functional consequence: retained intron. Not counted in ClinVar's aggregate classification.

Dr. Peter K. Rogan Lab, Western University
No classification provided (evidence only). Condition: Uterine carcinosarcoma. Review status: no classification provided. Collection method: in vitro. Allele origin: not applicable. Functional consequence: skipped exon. Not counted in ClinVar's aggregate classification.

Dr. Peter K. Rogan Lab, Western University
No classification provided (evidence only). Condition: Malignant tumor of esophagus. Review status: no classification provided. Collection method: in vitro. Allele origin: not applicable. Functional consequence: retained intron. Not counted in ClinVar's aggregate classification.

Dr. Peter K. Rogan Lab, Western University
No classification provided (evidence only). Condition: Malignant tumor of esophagus. Review status: no classification provided. Collection method: in vitro. Allele origin: not applicable. Functional consequence: retained intron. Not counted in ClinVar's aggregate classification.